The following is an entry in ClinVar:

ClinVar aggregate classification (germline): Uncertain significance (1 of 4 stars; one submission).

Conditions:
Hypertrophic cardiomyopathy 1 (CMH1). Also called: MYH7-Related Familial Hypertrophic Cardiomyopathy; Familial hypertrophic cardiomyopathy 1. Identifiers: MedGen C3495498, MONDO:0008647, OMIM 192600.

gnomAD v4.1: 1 of 1,613,798 alleles (0.000062%); highest among the groups gnomAD compares: African/African-American, 0.0013%; no homozygotes.

Submission:

Labcorp Genetics (formerly Invitae), Labcorp
Classification: Uncertain significance for Hypertrophic cardiomyopathy 1. Last evaluated: 2024-05-13. Review status: criteria provided, single submitter. Criteria: Invitae Variant Classification Sherloc (09022015). Collection method: clinical testing. Allele origin: germline.
Comment: This sequence change replaces glycine, which is neutral and non-polar, with cysteine, which is neutral and slightly polar, at codon 26 of the MYLK2 protein (p.Gly26Cys). This variant is present in population databases (rs374620801, gnomAD 0.007%). This variant has not been reported in the literature in individuals affected with MYLK2-related conditions. An algorithm developed to predict the effect of missense changes on protein structure and function (PolyPhen-2) suggests that this variant is likely to be tolerated. In summary, the available evidence is currently insufficient to determine the role of this variant in disease. Therefore, it has been classified as a Variant of Uncertain Significance.

NM_033118.4(MYLK2):c.76G>T (p.Gly26Cys)

Gene: MYLK2 (myosin light chain kinase 2; plus strand). Cytogenetic location: 20q11.21.
Variant type: single nucleotide variant.
Coding change: c.76G>T on transcript NM_033118.4 (MANE Select); coding-DNA position 76, G replaced by T.
Protein change: p.Gly26Cys; replaces glycine 26 with cysteine.
Molecular consequence: missense variant.
Genome position (GRCh38, 1-based): chr20:31,820,149, G>T. VCF-style: chr20-31820149-G-T. GRCh37 (hg19) VCF-style: chr20-30407952-G-T.
Other names: short protein forms G26C.
Identifiers: ClinVar variation 3709850 (VCV003709850.2).
Genomic context (GRCh38, chr20:31,820,149, plus strand): 5'-AGGGTGGATCCTGATGGGTGTCTCACCTCCTCTGCAGACAAGGCACCTAAAGGTCCCACA[G>T]GTGAAAGACCCCTGGCTGCAGGGAAAGACCCTGGCCCCCCAGACCCAAAGAAAGCTCCGG-3'
Protein context (NP_149109.1, residues 16-36): STDKAPKGPT[Gly26Cys]ERPLAAGKDP